The following is an entry in ClinVar:

ClinVar aggregate classification (germline): Uncertain significance. Review status: criteria provided, multiple submitters, no conflicts (2 of 4 stars). 3 submissions from 3 submitters: Uncertain significance (3). Last evaluated 2025-06-23.

Conditions:
Nemaline myopathy 2 (NEM2). Also called: Nemaline myopathy 2, autosomal recessive. Identifiers: MedGen C1850569, MONDO:0009725, OMIM 256030.

Submissions (3):

Revvity Omics, Revvity
Classification: Uncertain significance. Last evaluated: 2025-06-23. Review status: criteria provided, single submitter. Criteria: ACMG Guidelines, 2015. Collection method: clinical testing. Allele origin: germline.

Blueprint Genetics
Classification: Uncertain significance. Last evaluated: 2024-10-02. Review status: criteria provided, single submitter. Criteria: ACMG Guidelines, 2015. Collection method: clinical testing. Allele origin: germline.

Labcorp Genetics (formerly Invitae), Labcorp
Classification: Uncertain significance for Nemaline myopathy 2. Last evaluated: 2024-03-23. Review status: criteria provided, single submitter. Criteria: Invitae Variant Classification Sherloc (09022015). Collection method: clinical testing. Allele origin: germline.
Comment: This variant, c.25324_25326del, results in the deletion of 1 amino acid(s) of the NEB protein (p.Glu8442del), but otherwise preserves the integrity of the reading frame This variant is present in population databases (rs754847294, gnomAD 0.03%). This variant has not been reported in the literature in individuals affected with NEB-related conditions. ClinVar contains an entry for this variant (Variation ID: 2146802). Experimental studies and prediction algorithms are not available or were not evaluated, and the functional significance of this variant is currently unknown. In summary, the available evidence is currently insufficient to determine the role of this variant in disease. Therefore, it has been classified as a Variant of Uncertain Significance.

NM_001164508.2(NEB):c.25216GAG[1] (p.Glu8407del)

Genes: NEB (nebulin; minus strand), RIF1 (replication timing regulatory factor 1; plus strand). Cytogenetic location: 2q23.3.
Variant type: Microsatellite.
Coding change: c.25216GAG[1] on transcript NM_001164508.2 (MANE Select); one copy of the 3-base unit GAG starting at c.25216; the reference has two copies in a row; one copy, 3 bases deleted.
Protein change: p.Glu8407del; deletes glutamic acid 8407.
Molecular consequence: inframe deletion. On other transcripts: inframe indel (1).
Genome position (GRCh38, 1-based): chr2:151,490,448-151,490,450, CTC deleted on the plus strand (GAG on the coding strand, the reverse complement: NEB is on the minus strand); deleting any 3 consecutive bases within chr2:151,490,448-151,490,453 gives the same sequence; the position shown is the placement nearest the transcript's 3' end. VCF-style (leftmost placement, unchanged base first): chr2-151490447-TCTC-T. GRCh37 (hg19) VCF-style: chr2-152346961-TCTC-T.
Other names: c.25324_25326del (NM_001271208.1, NM_001271208.2); c.25216GAG[1], p.Glu8407del (NM_001164507.2); c.25321_25323GAG[1], p.Glu8442del (NM_001271208.1); c.25321GAG[1], p.Glu8442del (NM_001271208.2); c.19648GAG[1], p.Glu6551del (NM_004543.5); short protein forms E6551del, E8442del, E8407del.
Identifiers: ClinVar variation 2146802 (VCV002146802.7), dbSNP rs754847294, ClinGen allele CA1905773.